The following is an entry in ClinVar:

NM_013254.4(TBK1):c.1307A>G (p.Gln436Arg)

Gene: TBK1 (TANK binding kinase 1; plus strand). Cytogenetic location: 12q14.2.
Variant type: single nucleotide variant.
Coding change: c.1307A>G on transcript NM_013254.4 (MANE Select); coding-DNA position 1307, A replaced by G.
Protein change: p.Gln436Arg; replaces glutamine 436 with arginine.
Molecular consequence: missense variant.
Genome position (GRCh38, 1-based): chr12:64,485,984, A>G. VCF-style: chr12-64485984-A-G. GRCh37 (hg19) VCF-style: chr12-64879764-A-G.
Other names: short protein forms Q436R.
Identifiers: ClinVar variation 2778183 (VCV002778183.3), dbSNP rs2539520035, ClinGen allele CA385601297.

ClinVar aggregate classification (germline): Uncertain significance (1 of 4 stars; one submission).

Conditions:
Frontotemporal dementia and/or amyotrophic lateral sclerosis 4. Also called: FTDALS4. Identifiers: Orphanet 275872, MedGen C4225325, MONDO:0014641, OMIM 616439.

Submission:

Labcorp Genetics (formerly Invitae), Labcorp
Classification: Uncertain significance for Frontotemporal dementia and/or amyotrophic lateral sclerosis 4. Last evaluated: 2023-12-05. Review status: criteria provided, single submitter. Criteria: Invitae Variant Classification Sherloc (09022015). Collection method: clinical testing. Allele origin: germline.
Comment: This sequence change replaces glutamine, which is neutral and polar, with arginine, which is basic and polar, at codon 436 of the TBK1 protein (p.Gln436Arg). This variant is not present in population databases (gnomAD no frequency). This variant has not been reported in the literature in individuals affected with TBK1-related conditions. Advanced modeling of protein sequence and biophysical properties (such as structural, functional, and spatial information, amino acid conservation, physicochemical variation, residue mobility, and thermodynamic stability) performed at Invitae indicates that this missense variant is not expected to disrupt TBK1 protein function with a negative predictive value of 95%. In summary, the available evidence is currently insufficient to determine the role of this variant in disease. Therefore, it has been classified as a Variant of Uncertain Significance.